The following is an entry in ClinVar:

ClinVar aggregate classification (germline): Uncertain significance. Review status: criteria provided, multiple submitters, no conflicts (2 of 4 stars). 2 submissions from 2 submitters: Uncertain significance (2). Last evaluated 2024-06-06.

Submissions (2):

Women's Health and Genetics/Laboratory Corporation of America, LabCorp
Classification: Uncertain significance. Last evaluated: 2024-06-06. Review status: criteria provided, single submitter. Criteria: LabCorp Variant Classification Summary - May 2015. Collection method: clinical testing. Allele origin: germline.
Comment: Variant summary: GP9 c.469G>A (p.Val157Met) results in a conservative amino acid change in the encoded protein sequence. Five of five in-silico tools predict a benign effect of the variant on protein function. The variant allele was found at a frequency of 2.4e-05 in 163404 control chromosomes. The available data on variant occurrences in the general population are insufficient to allow any conclusion about variant significance. To our knowledge, no occurrence of c.469G>A in individuals affected with Bernard Soulier Syndrome and no experimental evidence demonstrating its impact on protein function have been reported. ClinVar contains an entry for this variant (Variation ID: 2049152). Based on the evidence outlined above, the variant was classified as uncertain significance.

Labcorp Genetics (formerly Invitae), Labcorp
Classification: Uncertain significance. Last evaluated: 2022-10-17. Review status: criteria provided, single submitter. Criteria: Invitae Variant Classification Sherloc (09022015). Collection method: clinical testing. Allele origin: germline.
Comment: This sequence change replaces valine, which is neutral and non-polar, with methionine, which is neutral and non-polar, at codon 157 of the GP9 protein (p.Val157Met). The frequency data for this variant in the population databases is considered unreliable, as metrics indicate poor data quality at this position in the gnomAD database. This variant has not been reported in the literature in individuals affected with GP9-related conditions. Algorithms developed to predict the effect of missense changes on protein structure and function output the following: SIFT: "Deleterious"; PolyPhen-2: "Benign"; Align-GVGD: "Class C0". The methionine amino acid residue is found in multiple mammalian species, which suggests that this missense change does not adversely affect protein function. In summary, the available evidence is currently insufficient to determine the role of this variant in disease. Therefore, it has been classified as a Variant of Uncertain Significance.

NM_000174.5(GP9):c.469G>A (p.Val157Met)

Gene: GP9 (glycoprotein IX platelet; plus strand). Cytogenetic location: 3q21.3.
Variant type: single nucleotide variant.
Coding change: c.469G>A on transcript NM_000174.5 (MANE Select); coding-DNA position 469, G replaced by A.
Protein change: p.Val157Met; replaces valine 157 with methionine.
Molecular consequence: missense variant.
Genome position (GRCh38, 1-based): chr3:129,062,208, G>A. VCF-style: chr3-129062208-G-A. GRCh37 (hg19) VCF-style: chr3-128781051-G-A.
Other names: short protein forms V157M.
Identifiers: ClinVar variation 2049152 (VCV002049152.2), dbSNP rs781491952, ClinGen allele CA2602724.